The following is an entry in ClinVar:

NM_031885.5(BBS2):c.764A>T (p.Asp255Val)

Gene: BBS2 (Bardet-Biedl syndrome 2; minus strand). Cytogenetic location: 16q13.
Variant type: single nucleotide variant.
Coding change: c.764A>T on transcript NM_031885.5 (MANE Select); coding-DNA position 764, A replaced by T.
Protein change: p.Asp255Val; replaces aspartic acid 255 with valine.
Molecular consequence: missense variant. On other transcripts: non-coding transcript variant (5).
Genome position (GRCh38, 1-based): chr16:56,505,990, T>A on the plus strand (A>T on the coding strand, the complement: BBS2 is on the minus strand). VCF-style: chr16-56505990-T-A. GRCh37 (hg19) VCF-style: chr16-56539902-T-A.
Other names: c.764A>T, p.Asp255Val (NM_001377456.1); short protein forms D255V.
Identifiers: ClinVar variation 3354071 (VCV003354071.1).

ClinVar aggregate classification (germline): Uncertain significance (0 of 4 stars; one submission).

Conditions:
BBS2-related disorder. Also called: BBS2-related disorders; BBS2-related condition. Identifiers: MedGen CN239228.

gnomAD v4.1: 1 of 1,613,926 alleles (0.000062%); highest among the groups gnomAD compares: African/African-American, 0.0013%; no homozygotes.

Submission:

PreventionGenetics, part of Exact Sciences
Classification: Uncertain significance for BBS2-related condition. Last evaluated: 2024-06-22. Review status: no assertion criteria provided. Collection method: clinical testing. Allele origin: germline.
Comment: The BBS2 c.764A>T variant is predicted to result in the amino acid substitution p.Asp255Val. To our knowledge, this variant has not been reported in the literature or in a large population database, indicating this variant is rare. At this time, the clinical significance of this variant is uncertain due to the absence of conclusive functional and genetic evidence.